The following is an entry in ClinVar:

NM_001267550.2(TTN):c.101565T>G (p.Thr33855=)

Genes: TTN (titin; minus strand), TTN-AS1 (TTN antisense RNA 1; plus strand). Cytogenetic location: 2q31.2.
Variant type: single nucleotide variant.
Coding change: c.101565T>G on transcript NM_001267550.2 (MANE Select); coding-DNA position 101565, T replaced by G.
Protein change: p.Thr33855=; no amino-acid change (threonine 33855 retained).
Molecular consequence: synonymous variant.
Genome position (GRCh38, 1-based): chr2:178,535,050, A>C on the plus strand (T>G on the coding strand, the complement: TTN is on the minus strand). VCF-style: chr2-178535050-A-C. GRCh37 (hg19) VCF-style: chr2-179399777-A-C.
Other names: c.96642T>G, p.Thr32214= (NM_001256850.1); c.74370T>G, p.Thr24790= (NM_003319.4); c.93861T>G, p.Thr31287= (NM_133378.4); c.74745T>G, p.Thr24915= (NM_133432.3); c.74946T>G, p.Thr24982= (NM_133437.4).
Identifiers: ClinVar variation 511383 (VCV000511383.1), dbSNP rs1553498268, ClinGen allele CA430237406.

ClinVar aggregate classification (germline): Likely benign (1 of 4 stars; one submission).

Allele frequency attached by ClinVar (database versions not stated): gnomAD exomes below 0.00001.
gnomAD v4.1: 1 of 1,613,924 alleles (0.000062%); highest among the groups gnomAD compares: Middle Eastern, 0.016%; no homozygotes.

Submission:

GeneDx
Classification: Likely benign. Last evaluated: 2017-08-04. Review status: criteria provided, single submitter. Criteria: GeneDx Variant Classification (06012015). Collection method: clinical testing. Allele origin: germline. Affected: yes.
Comment: This variant is considered likely benign or benign based on one or more of the following criteria: it is a conservative change, it occurs at a poorly conserved position in the protein, it is predicted to be benign by multiple in silico algorithms, and/or has population frequency not consistent with disease.